The following is an entry in ClinVar:

ClinVar aggregate classification (germline): Uncertain significance (1 of 4 stars; one submission).

Submission:

GeneDx
Classification: Uncertain significance. Last evaluated: 2023-06-26. Review status: criteria provided, single submitter. Criteria: GeneDx Variant Classification Process June 2021. Collection method: clinical testing. Allele origin: germline. Affected: yes.
Comment: Not observed at significant frequency in large population cohorts (gnomAD); In silico analysis supports that this missense variant has a deleterious effect on protein structure/function; Has not been previously published as pathogenic or benign to our knowledge

NM_004370.6(COL12A1):c.7559G>C (p.Gly2520Ala)

Gene: COL12A1 (collagen type XII alpha 1 chain; minus strand). Cytogenetic location: 6q13.
Variant type: single nucleotide variant.
Coding change: c.7559G>C on transcript NM_004370.6 (MANE Select); coding-DNA position 7559, G replaced by C.
Protein change: p.Gly2520Ala; replaces glycine 2520 with alanine.
Molecular consequence: missense variant.
Genome position (GRCh38, 1-based): chr6:75,115,922, C>G on the plus strand (G>C on the coding strand, the complement: COL12A1 is on the minus strand). VCF-style: chr6-75115922-C-G. GRCh37 (hg19) VCF-style: chr6-75825638-C-G.
Other names: c.7559G>C, p.Gly2520Ala (NM_001424113.1); c.7538G>C, p.Gly2513Ala (NM_001424114.1); c.7286G>C, p.Gly2429Ala (NM_001424115.1); c.4067G>C, p.Gly1356Ala (NM_001424116.1, NM_080645.3); short protein forms G1356A, G2429A, G2513A, G2520A.
Identifiers: ClinVar variation 3360300 (VCV003360300.1).
Genomic context (GRCh38, chr6:75,115,922, plus strand): 5'-ACTCCTTGTACAGAAGCAAAATTCTTTTCTGTCAGGTTGTATGCTTCAAGCATTTTAAAA[C>G]CTTTACATCAGAAAAGAAAATATTAAACGGAGTACATTTTAATTATTTTATTGCTTAAAT-3'
Protein context (NP_004361.3, residues 2510-2530): LIYLDGYTSP[Gly2520Ala]FKMLEAYNLT